The following is an entry in ClinVar:

ClinVar aggregate classification (germline): Uncertain significance. Review status: criteria provided, multiple submitters, no conflicts (2 of 4 stars). 2 submissions from 2 submitters: Uncertain significance (2). Last evaluated 2024-07-09.

Conditions:
Inborn genetic diseases. Identifiers: MedGen C0950123, MeSH D030342.

Allele frequency attached by ClinVar (database versions not stated): TOPMed 0.00012; 1000 Genomes Project 0.00020; 1000 Genomes Project 30x 0.00031.
gnomAD v4.1: 17 of 1,613,322 alleles (0.0011%); highest among the groups gnomAD compares: Admixed American, 0.022%; 1 homozygote.

Submissions (2):

Ambry Genetics
Classification: Uncertain significance for Inborn genetic diseases. Last evaluated: 2024-07-09. Review status: criteria provided, single submitter. Criteria: Ambry Variant Classification Scheme 2023. Collection method: clinical testing. Allele origin: germline.

Women's Health and Genetics/Laboratory Corporation of America, LabCorp
Classification: Uncertain significance. Last evaluated: 2019-08-07. Review status: criteria provided, single submitter. Criteria: LabCorp Variant Classification Summary - May 2015. Collection method: clinical testing. Allele origin: germline.
Comment: Variant summary: CIC c.1165C>G (p.Pro389Ala) results in a non-conservative amino acid change in the encoded protein sequence. Four of five in-silico tools predict a benign effect of the variant on protein function. The variant allele was found at a frequency of 8e-06 in 249704 control chromosomes (gnomAD). The available data on variant occurrences in the general population are insufficient to allow any conclusion about variant significance. To our knowledge, no occurrence of c.1165C>G in individuals affected with Mental retardation, autosomal dominant 45 and no experimental evidence demonstrating its impact on protein function have been reported. No clinical diagnostic laboratories have submitted clinical-significance assessments for this variant to ClinVar after 2014. Based on the evidence outlined above, the variant was classified as uncertain significance.

NM_001386298.1(CIC):c.3892C>G (p.Pro1298Ala)

Gene: CIC (capicua transcriptional repressor; plus strand). Cytogenetic location: 19q13.2.
Variant type: single nucleotide variant.
Coding change: c.3892C>G on transcript NM_001386298.1 (MANE Select); coding-DNA position 3892, C replaced by G.
Protein change: p.Pro1298Ala; replaces proline 1298 with alanine.
Molecular consequence: missense variant.
Genome position (GRCh38, 1-based): chr19:42,289,211, C>G. VCF-style: chr19-42289211-C-G. GRCh37 (hg19) VCF-style: chr19-42793363-C-G.
Other names: c.3892C>G, p.Pro1298Ala (NM_001304815.2, NM_001379480.1, NM_001379482.1); c.1165C>G, p.Pro389Ala (NM_001379484.1, NM_001379485.1, NM_015125.5); short protein forms P1298A, P389A.
Identifiers: ClinVar variation 929081 (VCV000929081.2), dbSNP rs199556766, ClinGen allele CA308628933.